The following is an entry in ClinVar:

NM_170601.5(SIAE):c.3G>A (p.Met1Ile)

Gene: SIAE (sialic acid acetylesterase; minus strand). Cytogenetic location: 11q24.2.
Variant type: single nucleotide variant.
Coding change: c.3G>A on transcript NM_170601.5 (MANE Select); coding-DNA position 3, G replaced by A.
Protein change: p.Met1Ile; changes the start codon (methionine 1).
Molecular consequence: missense variant, initiator codon variant. On other transcripts: intron variant (1).
Genome position (GRCh38, 1-based): chr11:124,673,706, C>T on the plus strand (G>A on the coding strand, the complement: SIAE is on the minus strand). VCF-style: chr11-124673706-C-T. GRCh37 (hg19) VCF-style: chr11-124543602-C-T.
Other names: c.-39+1552G>A (NM_001199922.2); short protein forms M1I.
Identifiers: ClinVar variation 2427905 (VCV002427905.6), dbSNP rs533755690, ClinGen allele CA6341697.

ClinVar aggregate classification (germline): Uncertain significance (1 of 4 stars; one submission).

Allele frequency attached by ClinVar (database versions not stated): ExAC 0.00003.

Submission:

Labcorp Genetics (formerly Invitae), Labcorp
Classification: Uncertain significance. Last evaluated: 2025-06-09. Review status: criteria provided, single submitter. Criteria: Invitae Variant Classification Sherloc (09022015). Collection method: clinical testing. Allele origin: germline.
Comment: This sequence change affects the initiator codon of the SIAE mRNA. This change may impact translation initiation or efficiency. The next in-frame methionine is located at codon 36. This variant is present in population databases (rs533755690, gnomAD 0.02%). This variant has not been reported in the literature in individuals affected with SIAE-related conditions. ClinVar contains an entry for this variant (Variation ID: 2427905). Experimental studies and prediction algorithms are not available or were not evaluated, and the functional significance of this variant is currently unknown. In summary, the available evidence is currently insufficient to determine the role of this variant in disease. Therefore, it has been classified as a Variant of Uncertain Significance.